The following is an entry in ClinVar:

NM_012079.6(DGAT1):c.203G>A (p.Cys68Tyr)

Gene: DGAT1 (diacylglycerol O-acyltransferase 1; minus strand). Cytogenetic location: 8q24.3.
Variant type: single nucleotide variant.
Coding change: c.203G>A on transcript NM_012079.6 (MANE Select); coding-DNA position 203, G replaced by A.
Protein change: p.Cys68Tyr; replaces cysteine 68 with tyrosine.
Molecular consequence: missense variant.
Genome position (GRCh38, 1-based): chr8:144,321,406, C>T on the plus strand (G>A on the coding strand, the complement: DGAT1 is on the minus strand). VCF-style: chr8-144321406-C-T. GRCh37 (hg19) VCF-style: chr8-145545069-C-T.
Other names: short protein forms C68Y.
Identifiers: ClinVar variation 1919124 (VCV001919124.4), dbSNP rs2488963080, ClinGen allele CA372613156.

ClinVar aggregate classification (germline): Uncertain significance (1 of 4 stars; one submission).

gnomAD v4.1: 4 of 1,613,744 alleles (0.00025%); highest among the groups gnomAD compares: South Asian, 0.0033%; no homozygotes.

Submission:

Labcorp Genetics (formerly Invitae), Labcorp
Classification: Uncertain significance. Last evaluated: 2025-03-03. Review status: criteria provided, single submitter. Criteria: Invitae Variant Classification Sherloc (09022015). Collection method: clinical testing. Allele origin: germline.
Comment: This sequence change replaces cysteine, which is neutral and slightly polar, with tyrosine, which is neutral and polar, at codon 68 of the DGAT1 protein (p.Cys68Tyr). This variant is not present in population databases (gnomAD no frequency). This variant has not been reported in the literature in individuals affected with DGAT1-related conditions. ClinVar contains an entry for this variant (Variation ID: 1919124). An algorithm developed to predict the effect of missense changes on protein structure and function (PolyPhen-2) suggests that this variant is likely to be disruptive. In summary, the available evidence is currently insufficient to determine the role of this variant in disease. Therefore, it has been classified as a Variant of Uncertain Significance.